The following is an entry in ClinVar:

ClinVar aggregate classification (germline): Benign. Review status: criteria provided, multiple submitters, no conflicts (2 of 4 stars). 2 submissions from 2 submitters: Benign (2). Last evaluated 2017-04-28.

Conditions:
Congenital nephrotic syndrome. Also called: Familial nephrotic syndrome. Identifiers: MedGen C3501848, MeSH C535761, MONDO:0002350, HP:0008677.

Allele frequency attached by ClinVar (database versions not stated): TOPMed 0.02521; 1000 Genomes Project 0.02576; 1000 Genomes Project 30x 0.02873.
gnomAD v4.1: 3,468 of 177,904 alleles (1.9%); highest among the groups gnomAD compares: African/African-American, 7.8%; 122 homozygotes.

Submissions (2):

Illumina Laboratory Services, Illumina
Classification: Benign for Congenital nephrotic syndrome. Last evaluated: 2017-04-28. Review status: criteria provided, single submitter. Criteria: ICSL Variant Classification Criteria 13 December 2019. Collection method: clinical testing. Allele origin: germline.
Comment: This variant was observed as part of a predisposition screen in an ostensibly healthy population. A literature search was performed for the gene, cDNA change, and amino acid change (where applicable). No publications were found based on this search. Allele frequency data from public databases was too high to be consistent with this variant causing disease. Therefore, this variant is classified as benign.

Breakthrough Genomics
Classification: Benign. Review status: criteria provided, single submitter. Criteria: ACMG Guidelines, 2015. Collection method: not provided. Allele origin: germline. Inheritance: Autosomal recessive inheritance. Affected: yes.

NM_004646.4(NPHS1):c.*457A>G

Gene: NPHS1 (NPHS1 adhesion molecule, nephrin; minus strand). Cytogenetic location: 19q13.12.
Variant type: single nucleotide variant.
Coding change: c.*457A>G on transcript NM_004646.4 (MANE Select); 457 bases downstream of the stop codon, A replaced by G.
Molecular consequence: 3 prime UTR variant.
Genome position (GRCh38, 1-based): chr19:35,826,057, T>C on the plus strand (A>G on the coding strand, the complement: NPHS1 is on the minus strand). VCF-style: chr19-35826057-T-C. GRCh37 (hg19) VCF-style: chr19-36316959-T-C.
Identifiers: ClinVar variation 891941 (VCV000891941.5), dbSNP rs113978942, ClinGen allele CA307827204.